The following is an entry in ClinVar:

ClinVar aggregate classification (germline): Uncertain significance (1 of 4 stars; one submission).

Conditions:
Developmental and epileptic encephalopathy, 9 (DEE9). Also called: Early infantile epileptic encephalopathy 9; EPILEPSY, FEMALE-RESTRICTED, WITH MENTAL RETARDATION; PCDH19-Related X-Linked Female-Limited Epilepsy with Mental Retardation; JUBERG-HELLMAN SYNDROME. Identifiers: Orphanet 101039, Orphanet 2076, MedGen C1848137, MONDO:0010246, OMIM 300088. Disease mechanism: loss of function.

Submission:

Labcorp Genetics (formerly Invitae), Labcorp
Classification: Uncertain significance for Developmental and epileptic encephalopathy, 9. Last evaluated: 2025-06-22. Review status: criteria provided, single submitter. Criteria: Invitae Variant Classification Sherloc (09022015). Collection method: clinical testing. Allele origin: germline.
Comment: This variant, c.2479_2481del, results in the deletion of 1 amino acid(s) of the PCDH19 protein (p.Arg827del), but otherwise preserves the integrity of the reading frame. This variant is not present in population databases (gnomAD no frequency). This variant has not been reported in the literature in individuals affected with PCDH19-related conditions. Experimental studies and prediction algorithms are not available or were not evaluated, and the functional significance of this variant is currently unknown. In summary, the available evidence is currently insufficient to determine the role of this variant in disease. Therefore, it has been classified as a Variant of Uncertain Significance.

NM_001184880.2(PCDH19):c.2476CGC[1] (p.Arg827del)

Genes: PCDH19 (protocadherin 19; minus strand), LOC125467768 (CDK7 strongly-dependent group 2 enhancer GRCh37_chrX:99657381-99658580; plus strand). Cytogenetic location: Xq22.1.
Variant type: Microsatellite.
Coding change: c.2476CGC[1] on transcript NM_001184880.2 (MANE Select); one copy of the 3-base unit CGC starting at c.2476; the reference has two copies in a row; one copy, 3 bases deleted.
Protein change: p.Arg827del; deletes arginine 827.
Molecular consequence: inframe deletion.
Genome position (GRCh38, 1-based): chrX:100,402,659-100,402,661, GCG deleted on the plus strand (CGC on the coding strand, the reverse complement: PCDH19 is on the minus strand); deleting any 3 consecutive bases within chrX:100,402,659-100,402,666 gives the same sequence; the position shown is the placement nearest the transcript's 3' end. VCF-style (leftmost placement, unchanged base first): chrX-100402658-AGCG-A. GRCh37 (hg19) VCF-style: chrX-99657656-AGCG-A.
Other names: c.2335CGC[1], p.Arg780del (NM_001105243.2, NM_020766.3); short protein forms R780del, R827del.
Identifiers: ClinVar variation 4751078 (VCV004751078.1).